The following is an entry in ClinVar:

ClinVar aggregate classification (germline): Uncertain significance (1 of 4 stars; one submission).

gnomAD v4.1: 3 of 1,582,202 alleles (0.00019%); highest among the groups gnomAD compares: Non-Finnish European, 0.00017%; no homozygotes.

Submission:

Ambry Genetics
Classification: Uncertain significance. Last evaluated: 2025-08-25. Review status: criteria provided, single submitter. Criteria: Ambry Variant Classification Scheme 2023. Collection method: clinical testing. Allele origin: germline.
Comment: The p.S6T variant (also known as c.16T>A), located in coding exon 1 of the MC1R gene, results from a T to A substitution at nucleotide position 16. The serine at codon 6 is replaced by threonine, an amino acid with similar properties. This amino acid position is conserved. In addition, this alteration is predicted to be tolerated by in silico analysis. Based on the available evidence, the clinical significance of this variant remains unclear.

NM_002386.4(MC1R):c.16T>A (p.Ser6Thr)

Gene: MC1R (melanocortin 1 receptor; plus strand). Cytogenetic location: 16q24.3.
Variant type: single nucleotide variant.
Coding change: c.16T>A on transcript NM_002386.4 (MANE Select); coding-DNA position 16, T replaced by A.
Protein change: p.Ser6Thr; replaces serine 6 with threonine.
Molecular consequence: missense variant.
Genome position (GRCh38, 1-based): chr16:89,919,274, T>A. VCF-style: chr16-89919274-T-A. GRCh37 (hg19) VCF-style: chr16-89985682-T-A.
Other names: short protein forms S6T.
Identifiers: ClinVar variation 4104882 (VCV004104882.1).